The following is an entry in ClinVar:

NM_206937.2(LIG4):c.563G>A (p.Arg188Gln)

Gene: LIG4 (DNA ligase 4; minus strand). Cytogenetic location: 13q33.3.
Variant type: single nucleotide variant.
Coding change: c.563G>A on transcript NM_206937.2 (MANE Select); coding-DNA position 563, G replaced by A.
Protein change: p.Arg188Gln; replaces arginine 188 with glutamine.
Molecular consequence: missense variant.
Genome position (GRCh38, 1-based): chr13:108,210,706, C>T on the plus strand (G>A on the coding strand, the complement: LIG4 is on the minus strand). VCF-style: chr13-108210706-C-T. GRCh37 (hg19) VCF-style: chr13-108863054-C-T.
Other names: c.563G>A, p.Arg188Gln (NM_001098268.2, NM_001352598.2, NM_001352599.2 and 6 more transcripts); c.362G>A, p.Arg121Gln (NM_001330595.2); c.599G>A, p.Arg200Gln (NM_001352604.2); short protein forms R188Q, R200Q, R121Q.
Identifiers: ClinVar variation 310990 (VCV000310990.8), dbSNP rs748385144, ClinGen allele CA7043827.
Genomic context (GRCh38, chr13:108,210,706, plus strand): 5'-TGAAAAACAGAAAAGATAGTTTGCTGACTAACACCAAGCTTTAAATCCTTTATGATCATC[C>T]GTATAAGCCACTTTTGCTCAAGTGCTGAACTCTGAGTTATAAGTTGAAGAAGGCTCTTTT-3'
Protein context (NP_996820.1, residues 178-198): SSALEQKWLI[Arg188Gln]MIIKDLKLGV

ClinVar aggregate classification (germline): Conflicting classifications of pathogenicity. Review status: criteria provided, conflicting classifications (1 of 4 stars). 4 submissions from 3 submitters: Likely pathogenic (1); Uncertain significance (3). Last evaluated 2022-11-14.

Conditions:
DNA ligase IV deficiency. Identifiers: Orphanet 99812, MedGen C1847827, MONDO:0011686, OMIM 606593.
Severe combined immunodeficiency due to DCLRE1C deficiency (RS-SCID). Also called: SCID, AUTOSOMAL RECESSIVE, T CELL-NEGATIVE, B CELL-NEGATIVE, NK CELL-POSITIVE, WITH SENSITIVITY TO IONIZING RADIATION. Identifiers: Orphanet 275, MedGen C1865371, MONDO:0011225, OMIM 602450.
Inborn genetic diseases. Identifiers: MedGen C0950123, MeSH D030342.

Allele frequency attached by ClinVar (database versions not stated): gnomAD exomes 0.00001 and 0.00002; TOPMed 0.00002; ExAC 0.00003.

Submissions (4):

Ambry Genetics
Classification: Uncertain significance for Inborn genetic diseases. Last evaluated: 2022-11-14. Review status: criteria provided, single submitter. Criteria: Ambry Variant Classification Scheme 2023. Collection method: clinical testing. Allele origin: germline.

Illumina Laboratory Services, Illumina
Classification: Uncertain significance for Severe combined immunodeficiency due to DCLRE1C deficiency. Last evaluated: 2018-01-13. Review status: criteria provided, single submitter. Criteria: ICSL Variant Classification Criteria 13 December 2019. Collection method: clinical testing. Allele origin: germline.

Illumina Laboratory Services, Illumina
Classification: Uncertain significance for DNA ligase IV deficiency. Last evaluated: 2018-01-13. Review status: criteria provided, single submitter. Criteria: ICSL Variant Classification Criteria 13 December 2019. Collection method: clinical testing. Allele origin: germline.

GeneDx
Classification: Likely pathogenic. Last evaluated: 2013-09-26. Review status: criteria provided, single submitter. Criteria: GeneDx Variant Classification (06012015). Collection method: clinical testing. Allele origin: germline. Affected: yes.
Comment: A novel R188Q missense change likely associated with disease was identified in the LIG4 gene. To our knowledge, this variant has neither been published as a pathogenic nor reported as a benign polymorphism. The R188Q missense change was not observed in approximately 6,500 individuals of European and African American ancestry in an external variant database indicating it is not a common benign variant in these populations.R188Q represents a non-conservative amino acid substitution, as a positively-charged Arginine residue is replaced with a neutral, polar Glutamine residue. The position in the LIG4 protein where this substitution occurs is highly conserved among species and is located in the DNA-binding domain of the functional protein. Therefore, R188Q is a strong candidate for a pathogenic variant however, the possibility that it is a benign variant cannot be excluded.